The following is an entry in ClinVar:

ClinVar aggregate classification (germline): Uncertain significance (1 of 4 stars; one submission).

Allele frequency attached by ClinVar (database versions not stated): gnomAD 0.00001; TOPMed 0.00002.

Submission:

Labcorp Genetics (formerly Invitae), Labcorp
Classification: Uncertain significance. Last evaluated: 2021-06-24. Review status: criteria provided, single submitter. Criteria: Invitae Variant Classification Sherloc (09022015). Collection method: clinical testing. Allele origin: germline.
Comment: This sequence change affects codon 53 of the KIF2A mRNA. It is a 'silent' change, meaning that it does not change the encoded amino acid sequence of the KIF2A protein. In summary, the available evidence is currently insufficient to determine the role of this variant in disease. Therefore, it has been classified as a Variant of Uncertain Significance. Algorithms developed to predict the effect of sequence changes on RNA splicing suggest that this variant may disrupt the consensus splice site, but this prediction has not been confirmed by published transcriptional studies. This variant has not been reported in the literature in individuals with KIF2A-related conditions. This variant is not present in population databases (ExAC no frequency).

NM_001098511.3(KIF2A):c.159G>A (p.Glu53=)

Gene: KIF2A (kinesin family member 2A; plus strand). Cytogenetic location: 5q12.1.
Variant type: single nucleotide variant.
Coding change: c.159G>A on transcript NM_001098511.3 (MANE Select); coding-DNA position 159, G replaced by A.
Protein change: p.Glu53=; no amino-acid change (glutamic acid 53 retained).
Molecular consequence: synonymous variant.
Genome position (GRCh38, 1-based): chr5:62,347,224, G>A. VCF-style: chr5-62347224-G-A. GRCh37 (hg19) VCF-style: chr5-61643051-G-A.
Other names: c.78G>A, p.Glu26= (NM_001243952.2); c.159G>A, p.Glu53= (NM_001243953.2, NM_004520.5).
Identifiers: ClinVar variation 1472030 (VCV001472030.8), dbSNP rs1039433409, ClinGen allele CA120080274.
Genomic context (GRCh38, chr5:62,347,224, plus strand): 5'-TGAAGATAATGAAAGTGTAACTGTTGAATGGATAGAAAATGGAGATACAAAAGGCAAAGA[G>A]GTAAGATCACTGAGTTTAATTTTATTCCTAGTCCTGCAATCAAGATTCTGAATATAAAAC-3'
Protein context (NP_001091981.1, residues 43-63): WIENGDTKGK[Glu53=]IDLESIFSLN